The following is an entry in ClinVar:

NM_147127.5(EVC2):c.2851G>T (p.Glu951Ter)

Gene: EVC2 (EvC ciliary complex subunit 2; minus strand). Cytogenetic location: 4p16.2.
Variant type: single nucleotide variant.
Coding change: c.2851G>T on transcript NM_147127.5 (MANE Select); coding-DNA position 2851, G replaced by T.
Protein change: p.Glu951Ter; replaces glutamic acid 951 with a stop codon.
Molecular consequence: nonsense.
Genome position (GRCh38, 1-based): chr4:5,584,829, C>A on the plus strand (G>T on the coding strand, the complement: EVC2 is on the minus strand). VCF-style: chr4-5584829-C-A. GRCh37 (hg19) VCF-style: chr4-5586556-C-A.
Other names: c.2611G>T, p.Glu871Ter (NM_001166136.2); short protein forms E871*, E951*.
Identifiers: ClinVar variation 1726405 (VCV001726405.2), dbSNP rs1383783171, ClinGen allele CA356155097.
Genomic context (GRCh38, chr4:5,584,829, plus strand): 5'-GCAGAGCAACAAGCGACTGTGCAAAGCCTCCCTCCTGTGCCTCCATCCGCTGCACTCTCT[C>A]CCGCAGCAATTCACCTCGAACCTGGGAGGGGACAGGGATGGACCCAAACCCAGAGAGCAG-3'

ClinVar aggregate classification (germline): Likely pathogenic (1 of 4 stars; one submission).

Conditions:
Ellis-van Creveld syndrome (EVC). Also called: EVC-Related Ellis-van Creveld Syndrome; EVC2-Related Ellis-van Creveld Syndrome; MESOECTODERMAL DYSPLASIA; Chondroectodermal dysplasia. Identifiers: Orphanet 289, MedGen C0013903, MONDO:0009162, OMIM 225500.

Submission:

Myriad Genetics, Inc.
Classification: Likely pathogenic for Ellis-van Creveld syndrome. Last evaluated: 2021-12-17. Review status: criteria provided, single submitter. Criteria: Myriad Women's Health Autosomal Recessive and X-Linked Classification Criteria (2021). Collection method: clinical testing. Allele origin: unknown.
Comment: NM_147127.4(EVC2):c.2851G>T(E951*) is expected to be pathogenic in the context of EVC2-related Ellis-van Creveld syndrome. This variant is predicted to lead to an abnormal or absent protein product due to the creation of a premature termination codon in EVC2, a gene where loss-of-function variants are known to be pathogenic. Please note: this variant was assessed in the context of healthy population screening.